The following is an entry in ClinVar:

ClinVar aggregate classification (germline): Pathogenic (1 of 4 stars; one submission).

Conditions:
Developmental and epileptic encephalopathy, 9 (DEE9). Also called: EPILEPSY, FEMALE-RESTRICTED, WITH MENTAL RETARDATION; JUBERG-HELLMAN SYNDROME; Early infantile epileptic encephalopathy 9; PCDH19-Related X-Linked Female-Limited Epilepsy with Mental Retardation. Identifiers: Orphanet 101039, Orphanet 2076, MedGen C1848137, MONDO:0010246, OMIM 300088. Disease mechanism: loss of function.

Submission:

Labcorp Genetics (formerly Invitae), Labcorp
Classification: Pathogenic for Developmental and epileptic encephalopathy, 9. Last evaluated: 2024-10-17. Review status: criteria provided, single submitter. Criteria: Invitae Variant Classification Sherloc (09022015). Collection method: clinical testing. Allele origin: germline.
Comment: This sequence change creates a premature translational stop signal (p.Gly220Alafs*9) in the PCDH19 gene. It is expected to result in an absent or disrupted protein product. Loss-of-function variants in PCDH19 are known to be pathogenic (PMID: 21053371). This variant is not present in population databases (gnomAD no frequency). This variant has not been reported in the literature in individuals affected with PCDH19-related conditions. ClinVar contains an entry for this variant (Variation ID: 961561). For these reasons, this variant has been classified as Pathogenic.

Literature cited by the submitters: PubMed 21053371.

NM_001184880.2(PCDH19):c.659del (p.Gly220fs)

Gene: PCDH19 (protocadherin 19; minus strand). Cytogenetic location: Xq22.1.
Variant type: Deletion.
Coding change: c.659del on transcript NM_001184880.2 (MANE Select); coding-DNA position 659, one base deleted (G; older notation c.659delG).
Protein change: p.Gly220fs; shifts the reading frame from glycine 220.
Molecular consequence: frameshift variant.
Genome position (GRCh38, 1-based): chrX:100,407,939, C deleted on the plus strand (G on the coding strand, the reverse complement: PCDH19 is on the minus strand); the first of 3 consecutive C bases (chrX:100,407,939-100,407,941); deleting any one gives the same sequence. VCF-style (leftmost placement, unchanged base first): chrX-100407938-GC-G. GRCh37 (hg19) VCF-style: chrX-99662936-GC-G.
Other names: c.659del, p.Gly220fs (NM_001105243.2, NM_020766.3); short protein forms G220fs.
Identifiers: ClinVar variation 961561 (VCV000961561.8), dbSNP rs1928441222, ClinGen allele CA1139667692.
Genomic context (GRCh38, chrX:100,407,938, plus strand): 5'-CTCGCTAAACACCGGGTTGTTGTCATTGGAGTCGGTCACCTTGATACTAAGGCCAACGGT[GC>G]CCAGGCGCGGCGGGTCGCCACCGTCTAGCGCAGTGATTCGGAAGCTGTAGTGCGACTGCG-3'